The following is an entry in ClinVar:

ClinVar aggregate classification (germline): Uncertain significance (1 of 4 stars; one submission).

Allele frequency attached by ClinVar (database versions not stated): gnomAD 0.00001; ExAC 0.00002; gnomAD exomes 0.00002; TOPMed 0.00002; ESP Exome Variant Server 0.00015.
gnomAD v4.1: 38 of 1,614,022 alleles (0.0024%); highest among the groups gnomAD compares: Admixed American, 0.0033%; no homozygotes.

Submission:

Labcorp Genetics (formerly Invitae), Labcorp
Classification: Uncertain significance. Last evaluated: 2025-10-01. Review status: criteria provided, single submitter. Criteria: Invitae Variant Classification Sherloc (09022015). Collection method: clinical testing. Allele origin: germline.
Comment: This sequence change replaces serine, which is neutral and polar, with phenylalanine, which is neutral and non-polar, at codon 115 of the C1S protein (p.Ser115Phe). This variant is present in population databases (rs138764697, gnomAD 0.007%). This variant has not been reported in the literature in individuals affected with C1S-related conditions. ClinVar contains an entry for this variant (Variation ID: 2145641). An algorithm developed to predict the effect of missense changes on protein structure and function (PolyPhen-2) suggests that this variant is likely to be disruptive. In summary, the available evidence is currently insufficient to determine the role of this variant in disease. Therefore, it has been classified as a Variant of Uncertain Significance.

NM_001734.5(C1S):c.344C>T (p.Ser115Phe)

Gene: C1S (complement C1s; plus strand). Cytogenetic location: 12p13.31.
Variant type: single nucleotide variant.
Coding change: c.344C>T on transcript NM_001734.5 (MANE Select); coding-DNA position 344, C replaced by T.
Protein change: p.Ser115Phe; replaces serine 115 with phenylalanine.
Molecular consequence: missense variant. On other transcripts: 5 prime UTR variant (1).
Genome position (GRCh38, 1-based): chr12:7,063,020, C>T. VCF-style: chr12-7063020-C-T. GRCh37 (hg19) VCF-style: chr12-7170324-C-T.
Other names: c.-158C>T (NM_001346850.2); c.344C>T, p.Ser115Phe (NM_201442.4); short protein forms S115F.
Identifiers: ClinVar variation 2145641 (VCV002145641.4), dbSNP rs138764697, ClinGen allele CA6423374.